The following is an entry in ClinVar:

NM_000179.3(MSH6):c.1510A>C (p.Lys504Gln)

Gene: MSH6 (mutS homolog 6; plus strand). Cytogenetic location: 2p16.3.
Variant type: single nucleotide variant.
Coding change: c.1510A>C on transcript NM_000179.3 (MANE Select); coding-DNA position 1510, A replaced by C.
Protein change: p.Lys504Gln; replaces lysine 504 with glutamine.
Molecular consequence: missense variant.
Genome position (GRCh38, 1-based): chr2:47,799,493, A>C. VCF-style: chr2-47799493-A-C. GRCh37 (hg19) VCF-style: chr2-48026632-A-C.
Other names: c.1120A>C, p.Lys374Gln (NM_001281492.2); c.604A>C, p.Lys202Gln (NM_001281493.2, NM_001281494.2); short protein forms K504Q, K374Q, K202Q.
Identifiers: ClinVar variation 455142 (VCV000455142.12), dbSNP rs1553412902, ClinGen allele CA346746280.

ClinVar aggregate classification (germline): Uncertain significance. Review status: criteria provided, multiple submitters, no conflicts (2 of 4 stars). 3 submissions from 2 submitters: Uncertain significance (3). Last evaluated 2023-07-07.

Conditions:
Lynch syndrome 5 (LYNCH5). Also called: Colorectal cancer, hereditary nonpolyposis, type 5; Hereditary non-polyposis colorectal cancer, type 5. Identifiers: Orphanet 144, MedGen C1833477, MONDO:0013710, OMIM 614350. Disease mechanism: loss of function.
Prostate cancer. Also called: Malignant tumor of prostate. Identifiers: Orphanet 1331, MedGen C0376358, MONDO:0008315, HP:0012125.
Hereditary nonpolyposis colorectal neoplasms. Identifiers: MedGen C0009405, MeSH D003123.

Submissions (3):

KCCC/NGS Laboratory, Kuwait Cancer Control Center
Classification: Uncertain significance for Lynch syndrome 5. Last evaluated: 2023-07-07. Review status: criteria provided, single submitter. Criteria: ACMG Guidelines, 2015. Collection method: clinical testing. Allele origin: unknown. Affected: yes.
Comment: This sequence change replaces lysine with glutamine at codon 504 of the MSH6 protein (p.Lys504Gln). The lysine residue is highly conserved and there is a small physicochemical difference between lysine and glutamine. This variant is not present in population databases (gnomAD no frequency). This variant has not been reported in the literature in individuals with MSH6-related disease. In-silico prediction show pathogenic computational verdict based on 12 pathogenic predictions from BayesDel_addAF, DANN, DEOGEN2, EIGEN, FATHMM-MKL, LIST-S2, M-CAP, MVP, MutationAssessor, MutationTaster, REVEL and SIFT vs 1 benign prediction from PrimateAI. There is a ClinVar entry for this variant with one star and a single uncertain significance submission. Therefore, it has been classified as a Variant of Uncertain Significance.

KCCC/NGS Laboratory, Kuwait Cancer Control Center
Classification: Uncertain significance for Prostate cancer. Last evaluated: 2023-05-31. Review status: criteria provided, single submitter. Criteria: ACMG Guidelines, 2015. Collection method: clinical testing. Allele origin: germline. Inheritance: Autosomal dominant inheritance. Affected: yes. Observed: 1 heterozygote.

Labcorp Genetics (formerly Invitae), Labcorp
Classification: Uncertain significance for Hereditary nonpolyposis colorectal neoplasms. Last evaluated: 2023-01-31. Review status: criteria provided, single submitter. Criteria: Invitae Variant Classification Sherloc (09022015). Collection method: clinical testing. Allele origin: germline.
Comment: In summary, the available evidence is currently insufficient to determine the role of this variant in disease. Therefore, it has been classified as a Variant of Uncertain Significance. Advanced modeling of protein sequence and biophysical properties (such as structural, functional, and spatial information, amino acid conservation, physicochemical variation, residue mobility, and thermodynamic stability) performed at Invitae indicates that this missense variant is not expected to disrupt MSH6 protein function. ClinVar contains an entry for this variant (Variation ID: 455142). This variant has not been reported in the literature in individuals affected with MSH6-related conditions. This variant is not present in population databases (gnomAD no frequency). This sequence change replaces lysine, which is basic and polar, with glutamine, which is neutral and polar, at codon 504 of the MSH6 protein (p.Lys504Gln).